The following is an entry in ClinVar:

NM_007259.5(VPS45):c.228G>A (p.Lys76=)

Gene: VPS45 (vacuolar protein sorting 45 homolog; plus strand). Cytogenetic location: 1q21.2.
Variant type: single nucleotide variant.
Coding change: c.228G>A on transcript NM_007259.5 (MANE Select); coding-DNA position 228, G replaced by A.
Protein change: p.Lys76=; no amino-acid change (lysine 76 retained).
Molecular consequence: synonymous variant. On other transcripts: non-coding transcript variant (1).
Genome position (GRCh38, 1-based): chr1:150,068,764, G>A. VCF-style: chr1-150068764-G-A. GRCh37 (hg19) VCF-style: chr1-150040821-G-A.
Other names: c.120G>A, p.Lys40= (NM_001279353.2, NM_001279354.2).
Identifiers: ClinVar variation 3709567 (VCV003709567.2).

ClinVar aggregate classification (germline): Uncertain significance (1 of 4 stars; one submission).

Conditions:
Congenital neutropenia-myelofibrosis-nephromegaly syndrome. Also called: Severe congenital neutropenia 5, autosomal recessive. Identifiers: Orphanet 369852, MedGen C3809031, MONDO:0014118, OMIM 615285.

gnomAD v4.1: 5 of 1,606,912 alleles (0.00031%); highest among the groups gnomAD compares: African/African-American, 0.0067%; no homozygotes.

Submission:

Labcorp Genetics (formerly Invitae), Labcorp
Classification: Uncertain significance for Congenital neutropenia-myelofibrosis-nephromegaly syndrome. Last evaluated: 2025-01-27. Review status: criteria provided, single submitter. Criteria: Invitae Variant Classification Sherloc (09022015). Collection method: clinical testing. Allele origin: germline.
Comment: This sequence change affects codon 76 of the VPS45 mRNA. It is a 'silent' change, meaning that it does not change the encoded amino acid sequence of the VPS45 protein. This variant also falls at the last nucleotide of exon 2, which is part of the consensus splice site for this exon. The frequency data for this variant in the population databases is considered unreliable, as metrics indicate poor data quality at this position in the gnomAD database. This variant has not been reported in the literature in individuals affected with VPS45-related conditions. Variants that disrupt the consensus splice site are a relatively common cause of aberrant splicing (PMID: 17576681, 9536098). Algorithms developed to predict the effect of sequence changes on RNA splicing suggest that this variant may disrupt the consensus splice site. In summary, the available evidence is currently insufficient to determine the role of this variant in disease. Therefore, it has been classified as a Variant of Uncertain Significance.

Literature cited by the submitters: PubMed 17576681; PubMed 9536098.